The following is an entry in ClinVar:

ClinVar aggregate classification (germline): Uncertain significance (1 of 4 stars; one submission).

gnomAD v4.1: 3 of 1,599,304 alleles (0.00019%); highest among the groups gnomAD compares: African/African-American, 0.0013%; no homozygotes.

Submission:

Labcorp Genetics (formerly Invitae), Labcorp
Classification: Uncertain significance. Last evaluated: 2025-05-13. Review status: criteria provided, single submitter. Criteria: Invitae Variant Classification Sherloc (09022015). Collection method: clinical testing. Allele origin: germline.
Comment: This sequence change replaces isoleucine, which is neutral and non-polar, with valine, which is neutral and non-polar, at codon 410 of the JAK2 protein (p.Ile410Val). This variant is present in population databases (no rsID available, gnomAD 0.01%). This variant has not been reported in the literature in individuals affected with JAK2-related conditions. Invitae Evidence Modeling of protein sequence and biophysical properties (such as structural, functional, and spatial information, amino acid conservation, physicochemical variation, residue mobility, and thermodynamic stability) indicates that this missense variant is not expected to disrupt JAK2 protein function with a negative predictive value of 80%. In summary, the available evidence is currently insufficient to determine the role of this variant in disease. Therefore, it has been classified as a Variant of Uncertain Significance.

NM_004972.4(JAK2):c.1228A>G (p.Ile410Val)

Genes: INSL6 (insulin like 6; minus strand), JAK2 (Janus kinase 2; plus strand). Cytogenetic location: 9p24.1.
Variant type: single nucleotide variant.
Coding change: c.1228A>G on transcript NM_004972.4 (MANE Select); coding-DNA position 1228, A replaced by G.
Protein change: p.Ile410Val; replaces isoleucine 410 with valine.
Molecular consequence: missense variant. On other transcripts: non-coding transcript variant (2).
Genome position (GRCh38, 1-based): chr9:5,066,691, A>G. VCF-style: chr9-5066691-A-G. GRCh37 (hg19) VCF-style: chr9-5066691-A-G.
Other names: c.1228A>G, p.Ile410Val (NM_001322194.2, NM_001322195.2, NM_001322196.2); c.13A>G, p.Ile5Val (NM_001322198.2, NM_001322199.2); c.781A>G, p.Ile261Val (NM_001322204.2); short protein forms I261V, I410V, I5V.
Identifiers: ClinVar variation 4805369 (VCV004805369.1).